The following is an entry in ClinVar:

NM_001042492.3(NF1):c.6563C>T (p.Ser2188Phe)

Gene: NF1 (neurofibromin 1; plus strand). Cytogenetic location: 17q11.2.
Variant type: single nucleotide variant.
Coding change: c.6563C>T on transcript NM_001042492.3 (MANE Select); coding-DNA position 6563, C replaced by T.
Protein change: p.Ser2188Phe; replaces serine 2188 with phenylalanine.
Molecular consequence: missense variant.
Genome position (GRCh38, 1-based): chr17:31,337,503, C>T. VCF-style: chr17-31337503-C-T. GRCh37 (hg19) VCF-style: chr17-29664521-C-T.
Other names: c.6500C>T, p.Ser2167Phe (NM_000267.4); short protein forms S2188F, S2167F.
Identifiers: ClinVar variation 484100 (VCV000484100.5), dbSNP rs1555534877, ClinGen allele CA399013289.

ClinVar aggregate classification (germline): Uncertain significance (1 of 4 stars; one submission).

Conditions:
Cardiovascular phenotype. Identifiers: MedGen CN230736.
Hereditary cancer-predisposing syndrome. Also called: Neoplastic Syndromes, Hereditary; Tumor predisposition; Hereditary Cancer Syndrome; Hereditary neoplastic syndrome. Identifiers: Orphanet 140162, MedGen C0027672, MeSH D009386, MONDO:0015356.

Allele frequency attached by ClinVar (database versions not stated): gnomAD exomes below 0.00001.
gnomAD v4.1: 1 of 1,614,152 alleles (0.000062%); highest among the groups gnomAD compares: Non-Finnish European, 0.000085%; no homozygotes.

Submission:

Ambry Genetics
Classification: Uncertain significance for Cardiovascular phenotype; Hereditary cancer-predisposing syndrome. Last evaluated: 2022-03-22. Review status: criteria provided, single submitter. Criteria: Ambry Variant Classification Scheme 2023. Collection method: clinical testing. Allele origin: germline.
Comment: The p.S2167F variant (also known as c.6500C>T), located in coding exon 42 of the NF1 gene, results from a C to T substitution at nucleotide position 6500. The serine at codon 2167 is replaced by phenylalanine, an amino acid with highly dissimilar properties. This amino acid position is highly conserved in available vertebrate species. In addition, the in silico prediction for this alteration is inconclusive. Since supporting evidence is limited at this time, the clinical significance of this alteration remains unclear.